The following is an entry in ClinVar:

NM_000136.3(FANCC):c.1200dup (p.Gly401fs)

Genes: AOPEP (aminopeptidase O (putative); plus strand), FANCC (FA complementation group C; minus strand). Cytogenetic location: 9q22.32.
Variant type: Duplication.
Coding change: c.1200dup on transcript NM_000136.3 (MANE Select); coding-DNA position 1200, one base duplicated (C; older notation c.1200dupC).
Protein change: p.Gly401fs; shifts the reading frame from glycine 401.
Molecular consequence: frameshift variant.
Genome position (GRCh38, 1-based): chr9:95,111,592, G duplicated on the plus strand (C on the coding strand, the reverse complement: FANCC is on the minus strand). VCF-style (leftmost placement, unchanged base first): chr9-95111591-C-CG. GRCh37 (hg19) VCF-style: chr9-97873873-C-CG.
Other names: c.1200dup, p.Gly401fs (NM_001243743.2, NM_001243744.2); c.1200dupC (NM_000136.2); short protein forms G401fs.
Identifiers: ClinVar variation 1921563 (VCV001921563.7), dbSNP rs2540887710, ClinGen allele CA2580080680.

ClinVar aggregate classification (germline): Pathogenic/Likely pathogenic. Review status: criteria provided, multiple submitters, no conflicts (2 of 4 stars). 3 submissions from 3 submitters: Pathogenic (2); Likely pathogenic (1). Last evaluated 2023-11-17.

Conditions:
Hereditary cancer-predisposing syndrome. Also called: Hereditary Cancer Syndrome; Hereditary neoplastic syndrome; Neoplastic Syndromes, Hereditary; Tumor predisposition. Identifiers: Orphanet 140162, MedGen C0027672, MeSH D009386, MONDO:0015356.
Fanconi anemia (FA). Also called: Fanconi's anemia. Identifiers: Orphanet 84, MedGen C0015625, MeSH D005199, MONDO:0019391.
Fanconi anemia complementation group C (FANCC). Also called: FANCONI PANCYTOPENIA, TYPE 3; FACC; Fanconi anemia, group C; FANCC-Related Fanconi Anemia. Identifiers: Orphanet 84, MedGen C3468041, MONDO:0009213, OMIM 227645.

Allele frequency attached by ClinVar (database versions not stated): gnomAD exomes below 0.00001.

Submissions (3):

Ambry Genetics
Classification: Pathogenic for Hereditary cancer-predisposing syndrome. Last evaluated: 2023-11-17. Review status: criteria provided, single submitter. Criteria: Ambry Variant Classification Scheme 2023. Collection method: clinical testing. Allele origin: germline.
Comment: The c.1200dupC pathogenic mutation, located in coding exon 12 of the FANCC gene, results from a duplication of C at nucleotide position 1200, causing a translational frameshift with a predicted alternate stop codon (p.G401Rfs*5). This variant is considered to be rare based on population cohorts in the Genome Aggregation Database (gnomAD). This alteration is expected to result in loss of function by premature protein truncation or nonsense-mediated mRNA decay. As such, this alteration is interpreted as a disease-causing mutation.

Baylor Genetics
Classification: Likely pathogenic for Fanconi anemia complementation group C. Last evaluated: 2023-10-09. Review status: criteria provided, single submitter. Criteria: ACMG Guidelines, 2015. Collection method: clinical testing. Allele origin: unknown.

Labcorp Genetics (formerly Invitae), Labcorp
Classification: Pathogenic for Fanconi anemia. Last evaluated: 2022-01-04. Review status: criteria provided, single submitter. Criteria: Invitae Variant Classification Sherloc (09022015). Collection method: clinical testing. Allele origin: germline.
Comment: This sequence change creates a premature translational stop signal (p.Gly401Argfs*5) in the FANCC gene. It is expected to result in an absent or disrupted protein product. Loss-of-function variants in FANCC are known to be pathogenic (PMID: 17924555). For these reasons, this variant has been classified as Pathogenic. This variant has not been reported in the literature in individuals affected with FANCC-related conditions. This variant is not present in population databases (gnomAD no frequency).

Literature cited by the submitters: PubMed 17924555 (cited by Labcorp Genetics (formerly Invitae), Labcorp).